The following is an entry in ClinVar:

ClinVar aggregate classification (germline): Conflicting classifications of pathogenicity. Review status: criteria provided, conflicting classifications (1 of 4 stars). 7 submissions from 7 submitters: Pathogenic (1); Likely pathogenic (4); Uncertain significance (2). Last evaluated 2026-06-23.

Conditions:
FGFR3-related disorder. Also called: FGFR3-related disorders.
Genu varum. Identifiers: MedGen C0544755, HP:0002970.
Skeletal dysplasia. Also called: Primary bone dysplasia. Identifiers: Orphanet 364526, MedGen C0410528, MONDO:0018230, HP:0002652.
Craniosynostosis syndrome. Also called: Craniosynostosis. Identifiers: Orphanet 1531, MedGen C0010278, MeSH D003398, MONDO:0015469, HP:0001363.
Short stature. Identifiers: MedGen C0349588, HP:0004322.
Colorectal cancer. Also called: Malignant Colorectal Neoplasm; Colorectal cancer, somatic. Identifiers: MedGen C0346629, MONDO:0005575, OMIM 114500.
Thanatophoric dysplasia, type 2 (TD2). Also called: Thanatophoric Dysplasia Type 2 (TD Type 2); CLOVERLEAF SKULL WITH THANATOPHORIC DWARFISM; THANATOPHORIC DYSPLASIA WITH KLEEBLATTSCHAEDEL; THANATOPHORIC DYSPLASIA WITH STRAIGHT FEMURS AND CLOVERLEAF SKULL. Identifiers: Orphanet 2655, Orphanet 93274, MedGen C1300257, MONDO:0008547, OMIM 187601. Disease mechanism: gain of function.
Camptodactyly-tall stature-scoliosis-hearing loss syndrome. Also called: CATSHL SYNDROME. Identifiers: Orphanet 85164, MedGen C1864852, MONDO:0012504, OMIM 610474.
Severe achondroplasia-developmental delay-acanthosis nigricans syndrome. Also called: Severe achondroplasia with developmental delay and acanthosis nigricans; SADDAN dysplasia. Identifiers: Orphanet 85165, MedGen C2674173, MONDO:0014658, OMIM 616482.
Epidermal nevus. Also called: NEVUS, KERATINOCYTIC, NONEPIDERMOLYTIC; Nevus, epidermal, somatic. Identifiers: Orphanet 79414, MedGen C0334082, MONDO:0008093, OMIM 162900, HP:0010816.
Malignant tumor of urinary bladder. Also called: Bladder cancer; Urinary bladder cancer; Urinary Bladder Neoplasms. Identifiers: MedGen C0005684, MONDO:0001187, OMIM 109800.
Cervical cancer. Also called: Cervical cancer, somatic; Cervix cancer; Cancer of cervix. Identifiers: MedGen C4048328, MONDO:0002974, OMIM 603956, HP:0030079.
Lacrimoauriculodentodigital syndrome 2 (LADD2). Also called: LADD SYNDROME 2. Identifiers: MedGen C5774286, MONDO:0859577, OMIM 620192.
Germ cell tumor of testis (TGCT). Also called: GERM CELL TUMOR, SOMATIC; Testicular germ cell tumor. Identifiers: Orphanet 363504, MedGen C1336708, MONDO:0010108, OMIM 273300.
Hypochondroplasia (HCH). Identifiers: Orphanet 429, MedGen C0410529, MONDO:0007793, OMIM 146000. Disease mechanism: gain of function.
Thanatophoric dysplasia type 1 (TD1). Also called: Thanatophoric Dysplasia Type 1 (TD Type 1); PLATYSPONDYLIC LETHAL SKELETAL DYSPLASIA, SAN DIEGO TYPE; LETHAL SHORT-LIMBED PLATYSPONDYLIC DWARFISM, SAN DIEGO TYPE. Identifiers: Orphanet 1860, Orphanet 2655, MedGen C1868678, MONDO:0008546, OMIM 187600. Disease mechanism: gain of function.
Crouzon syndrome-acanthosis nigricans syndrome. Also called: CROUZONODERMOSKELETAL SYNDROME. Identifiers: Orphanet 93262, MedGen C2677099, MONDO:0012833, OMIM 612247.
Muenke syndrome (MNKES). Also called: MUENKE NONSYNDROMIC CORONAL CRANIOSYNOSTOSIS. Identifiers: Orphanet 53271, MedGen C1864436, MONDO:0011274, OMIM 602849.
Achondroplasia (ACH). Also called: Achondroplastic dwarfism. Identifiers: Orphanet 15, MedGen C0001080, MONDO:0007037, OMIM 100800. Disease mechanism: gain of function.

Submissions (7):

Genomenon, Inc
Classification: Likely pathogenic for Hypochondroplasia. Last evaluated: 2026-06-23. Review status: criteria provided, single submitter. Criteria: Genomenon Sequence Variant Interpretation Standards - Updated. Collection method: curation. Allele origin: germline. Affected: yes.
Comment: FGFR3 p.Arg200Cys (c.598C>T) is a missense variant that changes the amino acid at codon 200 from Arginine to Cysteine. This variant has been observed in at least one proband with hypochondroplasia (PMID:33051983;16912704;19215249). A de novo occurrence of this variant has been observed in at least one affected individual (PMID:16912704). It is absent or not present at a significant frequency in gnomAD. In silico models predict that this variant is possibly or probably damaging. In conclusion, we classify FGFR3 p.Arg200Cys (c.598C>T) as a likely pathogenic variant.

Labcorp Genetics (formerly Invitae), Labcorp
Classification: Likely pathogenic. Last evaluated: 2025-09-02. Review status: criteria provided, single submitter. Criteria: Invitae Variant Classification Sherloc (09022015). Collection method: clinical testing. Allele origin: germline.
Comment: This sequence change replaces arginine, which is basic and polar, with cysteine, which is neutral and slightly polar, at codon 200 of the FGFR3 protein (p.Arg200Cys). This variant is not present in population databases (gnomAD no frequency). This missense change has been observed in individuals with hypochondroplasia (PMID: 16912704, 19215249, 32981126; internal data). ClinVar contains an entry for this variant (Variation ID: 287276). Invitae Evidence Modeling of protein sequence and biophysical properties (such as structural, functional, and spatial information, amino acid conservation, physicochemical variation, residue mobility, and thermodynamic stability) indicates that this missense variant is expected to disrupt FGFR3 protein function with a positive predictive value of 80%. In summary, the currently available evidence indicates that the variant is pathogenic, but additional data are needed to prove that conclusively. Therefore, this variant has been classified as Likely Pathogenic.

GeneDx
Classification: Likely pathogenic. Last evaluated: 2024-08-29. Review status: criteria provided, single submitter. Criteria: GeneDx Variant Classification Process June 2021. Collection method: clinical testing. Allele origin: germline. Affected: yes.
Comment: Not observed at significant frequency in large population cohorts (gnomAD); In silico analysis supports that this missense variant has a deleterious effect on protein structure/function; This variant is associated with the following publications: (PMID: 19215249, 29736252, 32981126, 16912704)

Blueprint Genetics
Classification: Likely pathogenic for FGFR3-related disorders. Last evaluated: 2021-08-16. Review status: criteria provided, single submitter. Criteria: ACMG Guidelines, 2015. Collection method: clinical testing. Allele origin: germline. Affected: yes. Observed: 1 variant allele.

Centre for Mendelian Genomics, University Medical Centre Ljubljana
Classification: Pathogenic for Craniosynostosis syndrome; Genu varum; Short stature; Skeletal dysplasia. Last evaluated: 2017-01-01. Review status: criteria provided, single submitter. Criteria: ACMG Guidelines, 2015. Collection method: clinical testing. Allele origin: unknown. Affected: yes.

Eurofins Ntd Llc (ga)
Classification: Uncertain significance. Last evaluated: 2016-04-27. Review status: criteria provided, single submitter. Criteria: EGL Classification Definitions 2015. Collection method: clinical testing. Allele origin: germline. Observed: 1 variant allele, 1 heterozygote.

Juno Genomics, Hangzhou Juno Genomics, Inc
Classification: Uncertain significance for Lacrimoauriculodentodigital syndrome 2; Achondroplasia; Malignant tumor of urinary bladder; Camptodactyly-tall stature-scoliosis-hearing loss syndrome; Cervical cancer; Colorectal cancer; Crouzon syndrome-acanthosis nigricans syndrome; Hypochondroplasia; Muenke syndrome; Epidermal nevus; Severe achondroplasia-developmental delay-acanthosis nigricans syndrome; Germ cell tumor of testis; Thanatophoric dysplasia type 1; Thanatophoric dysplasia, type 2. Review status: criteria provided, single submitter. Criteria: ACMG Guidelines, 2015. Collection method: clinical testing. Allele origin: germline. Affected: yes.
Comment: Absent from controls (or at extremely low frequency if recessive) in Genome Aggregation Database, Exome Sequencing Project, 1000 Genomes Project, or Exome Aggregation Consortium.;Multiple lines of computational evidence support a deleterious effect on the gene or gene product (conservation, evolutionary, splicing impact, etc).;The prevalence of the variant in affected individuals is significantly increased compared to the prevalence in controls.;Patient's phenotype or family history is highly specific for a disease with a single genetic etiology.

Literature cited by the submitters: PubMed 33051983 (cited by Genomenon, Inc); PubMed 16912704 (cited by Genomenon, Inc and Labcorp Genetics (formerly Invitae), Labcorp); PubMed 19215249 (cited by Genomenon, Inc and Labcorp Genetics (formerly Invitae), Labcorp); PubMed 30681580 (cited by Genomenon, Inc); PubMed 29736252 (cited by Genomenon, Inc); PubMed 17624273 (cited by Genomenon, Inc); PubMed 22302603 (cited by Genomenon, Inc); PubMed 24411048 (cited by Genomenon, Inc); PubMed 25244068 (cited by Genomenon, Inc); PubMed 26126848 (cited by Genomenon, Inc); PubMed 15863034 (cited by Genomenon, Inc); PubMed 25323764 (cited by Genomenon, Inc); PubMed 32981126 (cited by Labcorp Genetics (formerly Invitae), Labcorp).

NM_000142.5(FGFR3):c.598C>T (p.Arg200Cys)

Gene: FGFR3 (fibroblast growth factor receptor 3; plus strand). Cytogenetic location: 4p16.3.
Variant type: single nucleotide variant.
Coding change: c.598C>T on transcript NM_000142.5 (MANE Select); coding-DNA position 598, C replaced by T.
Protein change: p.Arg200Cys; replaces arginine 200 with cysteine.
Molecular consequence: missense variant. On other transcripts: non-coding transcript variant (1).
Genome position (GRCh38, 1-based): chr4:1,801,519, C>T. VCF-style: chr4-1801519-C-T. GRCh37 (hg19) VCF-style: chr4-1803246-C-T.
Other names: c.598C>T, p.Arg200Cys (NM_001163213.2, NM_001354809.2, NM_001354810.2 and 1 more transcripts); c.598C>T (NM_000142.4); short protein forms R200C.
Identifiers: ClinVar variation 287276 (VCV000287276.15), dbSNP rs886043613, ClinGen allele CA10605728.
Genomic context (GRCh38, chr4:1,801,519, plus strand): 5'-GGCAACCCCACTCCCTCCATCTCCTGGCTGAAGAACGGCAGGGAGTTCCGCGGCGAGCAC[C>T]GCATTGGAGGCATCAAGGTGGGCGCGGCGGGGTGGCTCTGGGCCTGGCAGGCGCGGTGGT-3'
Protein context (NP_000133.1, residues 190-210): KNGREFRGEH[Arg200Cys]IGGIKLRHQQ